The following is an entry in ClinVar:

NM_000742.4(CHRNA2):c.92G>A (p.Arg31His)

Gene: CHRNA2 (cholinergic receptor nicotinic alpha 2 subunit; minus strand). Cytogenetic location: 8p21.2.
Variant type: single nucleotide variant.
Coding change: c.92G>A on transcript NM_000742.4 (MANE Select); coding-DNA position 92, G replaced by A.
Protein change: p.Arg31His; replaces arginine 31 with histidine.
Molecular consequence: missense variant. On other transcripts: 5 prime UTR variant (4).
Genome position (GRCh38, 1-based): chr8:27,469,963, C>T on the plus strand (G>A on the coding strand, the complement: CHRNA2 is on the minus strand). VCF-style: chr8-27469963-C-T. GRCh37 (hg19) VCF-style: chr8-27327480-C-T.
Other names: c.92G>A, p.Arg31His (NM_001282455.2); c.-336G>A (NM_001347705.2); c.-381G>A (NM_001347706.2); c.-322G>A (NM_001347707.2); c.-370G>A (NM_001347708.2); short protein forms R31H.
Identifiers: ClinVar variation 2891283 (VCV002891283.3), dbSNP rs776191995, ClinGen allele CA4689792.

ClinVar aggregate classification (germline): Uncertain significance (1 of 4 stars; one submission).

Conditions:
Familial sleep-related hypermotor epilepsy. Also called: Autosomal Dominant Sleep-Related Hypermotor (Hyperkinetic) Epilepsy. Identifiers: Orphanet 98784, MedGen C3696898, MONDO:0000030.

Allele frequency attached by ClinVar (database versions not stated): TOPMed 0.00002; gnomAD 0.00001.
gnomAD v4.1: 11 of 1,613,400 alleles (0.00068%); highest among the groups gnomAD compares: South Asian, 0.0033%; no homozygotes.

Submission:

Labcorp Genetics (formerly Invitae), Labcorp
Classification: Uncertain significance. Last evaluated: 2025-08-30. Review status: criteria provided, single submitter. Criteria: Invitae Variant Classification Sherloc (09022015). Collection method: clinical testing. Allele origin: germline.
Comment: This sequence change replaces arginine, which is basic and polar, with histidine, which is basic and polar, at codon 31 of the CHRNA2 protein (p.Arg31His). This variant is present in population databases (rs776191995, gnomAD 0.003%). This variant has not been reported in the literature in individuals affected with CHRNA2-related conditions. ClinVar contains an entry for this variant (Variation ID: 2891283). Invitae Evidence Modeling of protein sequence and biophysical properties (such as structural, functional, and spatial information, amino acid conservation, physicochemical variation, residue mobility, and thermodynamic stability) indicates that this missense variant is not expected to disrupt CHRNA2 protein function with a negative predictive value of 95%. In summary, the available evidence is currently insufficient to determine the role of this variant in disease. Therefore, it has been classified as a Variant of Uncertain Significance.